The following is an entry in ClinVar:

ClinVar aggregate classification (germline): Uncertain significance (1 of 4 stars; one submission).

Conditions:
Inborn genetic diseases. Identifiers: MedGen C0950123, MeSH D030342.

gnomAD v4.1: 1 of 1,612,158 alleles (0.000062%); no homozygotes.

Submission:

Ambry Genetics
Classification: Uncertain significance for Inborn genetic diseases. Last evaluated: 2026-06-04. Review status: criteria provided, single submitter. Criteria: Ambry Variant Classification Scheme 2023. Collection method: clinical testing. Allele origin: germline.
Comment: The c.548C>T (p.P183L) alteration is located in exon 6 (coding exon 6) of the CDK19 gene. This alteration results from a C to T substitution at nucleotide position 548, causing the proline (P) at amino acid position 183 to be replaced by a leucine (L). Based on data from gnomAD, the T allele has an overall frequency of <0.001% (1/248684) total alleles studied. The highest observed frequency was <0.001% (/) of alleles. Based on insufficient or conflicting evidence, the clinical significance of this alteration remains unclear.

NM_015076.5(CDK19):c.548C>T (p.Pro183Leu)

Gene: CDK19 (cyclin dependent kinase 19; minus strand). Cytogenetic location: 6q21.
Variant type: single nucleotide variant.
Coding change: c.548C>T on transcript NM_015076.5 (MANE Select); coding-DNA position 548, C replaced by T.
Protein change: p.Pro183Leu; replaces proline 183 with leucine.
Molecular consequence: missense variant. On other transcripts: intron variant (1).
Genome position (GRCh38, 1-based): chr6:110,632,128, G>A on the plus strand (C>T on the coding strand, the complement: CDK19 is on the minus strand). VCF-style: chr6-110632128-G-A. GRCh37 (hg19) VCF-style: chr6-110953331-G-A.
Other names: c.368C>T, p.Pro123Leu (NM_001300963.2, NM_001300964.2); c.515-4983C>T (NM_001300960.2); short protein forms P123L, P183L.
Identifiers: ClinVar variation 4868598 (VCV004868598.1).